The following is an entry in ClinVar:

NM_001099271.2(POC5):c.599A>G (p.His200Arg)

Gene: POC5 (POC5 centriolar protein; minus strand). Cytogenetic location: 5q13.3.
Variant type: single nucleotide variant.
Coding change: c.599A>G on transcript NM_001099271.2 (MANE Select); coding-DNA position 599, A replaced by G.
Protein change: p.His200Arg; replaces histidine 200 with arginine.
Molecular consequence: missense variant.
Genome position (GRCh38, 1-based): chr5:75,694,746, T>C on the plus strand (A>G on the coding strand, the complement: POC5 is on the minus strand). VCF-style: chr5-75694746-T-C. GRCh37 (hg19) VCF-style: chr5-74990571-T-C.
Other names: c.524A>G, p.His175Arg (NM_152408.3); c.599A>G (NM_001099271.1); short protein forms H175R, H200R.
Identifiers: ClinVar variation 1397660 (VCV001397660.7), dbSNP rs749952784, ClinGen allele CA3310532.

ClinVar aggregate classification (germline): Uncertain significance. Review status: criteria provided, multiple submitters, no conflicts (2 of 4 stars). 2 submissions from 2 submitters: Uncertain significance (2). Last evaluated 2025-09-29.

Allele frequency attached by ClinVar (database versions not stated): gnomAD exomes 0.00002 and 0.00006; gnomAD 0.00003; ExAC 0.00004; TOPMed 0.00006.
gnomAD v4.1: 28 of 1,597,760 alleles (0.0018%); highest among the groups gnomAD compares: Admixed American, 0.034%; no homozygotes.

Submissions (2):

Labcorp Genetics (formerly Invitae), Labcorp
Classification: Uncertain significance. Last evaluated: 2025-09-29. Review status: criteria provided, single submitter. Criteria: Invitae Variant Classification Sherloc (09022015). Collection method: clinical testing. Allele origin: germline.
Comment: This sequence change replaces histidine, which is basic and polar, with arginine, which is basic and polar, at codon 200 of the POC5 protein (p.His200Arg). This variant is present in population databases (rs749952784, gnomAD 0.04%). This variant has not been reported in the literature in individuals affected with POC5-related conditions. ClinVar contains an entry for this variant (Variation ID: 1397660). An algorithm developed to predict the effect of missense changes on protein structure and function (PolyPhen-2) suggests that this variant is likely to be tolerated. In summary, the available evidence is currently insufficient to determine the role of this variant in disease. Therefore, it has been classified as a Variant of Uncertain Significance.

Ambry Genetics
Classification: Uncertain significance. Last evaluated: 2025-01-23. Review status: criteria provided, single submitter. Criteria: Ambry Variant Classification Scheme 2023. Collection method: clinical testing. Allele origin: germline.